The following is an entry in ClinVar:

NM_003482.4(KMT2D):c.9259C>T (p.Arg3087Trp)

Gene: KMT2D (lysine methyltransferase 2D; minus strand). Cytogenetic location: 12q13.12.
Variant type: single nucleotide variant.
Coding change: c.9259C>T on transcript NM_003482.4 (MANE Select); coding-DNA position 9259, C replaced by T.
Protein change: p.Arg3087Trp; replaces arginine 3087 with tryptophan.
Molecular consequence: missense variant.
Genome position (GRCh38, 1-based): chr12:49,038,097, G>A on the plus strand (C>T on the coding strand, the complement: KMT2D is on the minus strand). VCF-style: chr12-49038097-G-A. GRCh37 (hg19) VCF-style: chr12-49431880-G-A.
Other names: c.9259C>T (NM_003482.3); short protein forms R3087W.
Identifiers: ClinVar variation 1586110 (VCV001586110.33), dbSNP rs538335897, ClinGen allele CA6546728.

ClinVar aggregate classification (germline): Conflicting classifications of pathogenicity. Review status: criteria provided, conflicting classifications (1 of 4 stars). 3 submissions from 3 submitters: Uncertain significance (1); Likely benign (2). Last evaluated 2025-08-20.

Conditions:
Kabuki syndrome. Also called: NIIKAWA-KUROKI SYNDROME; Kabuki make-up syndrome. Identifiers: Orphanet 2322, MedGen C0796004, MONDO:0016512.
KMT2D-related disorder. Also called: KMT2D-Related Disorders.

gnomAD v4.1: 47 of 1,613,672 alleles (0.0029%); highest among the groups gnomAD compares: South Asian, 0.0055%; no homozygotes.

Submissions (3):

Labcorp Genetics (formerly Invitae), Labcorp
Classification: Likely benign for Kabuki syndrome. Last evaluated: 2025-08-20. Review status: criteria provided, single submitter. Criteria: Invitae Variant Classification Sherloc (09022015). Collection method: clinical testing. Allele origin: germline.

PreventionGenetics, part of Exact Sciences
Classification: Uncertain significance for KMT2D-related condition. Last evaluated: 2025-06-18. Review status: criteria provided, single submitter. Criteria: ACMG Guidelines, 2015. Collection method: clinical testing. Allele origin: germline.
Comment: The KMT2D c.9259C>T variant is predicted to result in the amino acid substitution p.Arg3087Trp. To our knowledge, this variant has not been reported in the literature. This variant is reported in 0.0044% of alleles in individuals of European (Non-Finnish) descent in gnomAD. At this time, the clinical significance of this variant is uncertain due to the absence of conclusive functional and genetic evidence.

CeGaT Center for Human Genetics Tuebingen
Classification: Likely benign. Last evaluated: 2023-02-01. Review status: criteria provided, single submitter. Criteria: CeGaT Center For Human Genetics Tuebingen Variant Classification Criteria Version 2. Collection method: clinical testing. Allele origin: germline. Affected: yes. Observed: 1 variant allele.
Comment: KMT2D: PP2, BS1